The following is an entry in ClinVar:

ClinVar aggregate classification (germline): Uncertain significance (1 of 4 stars; one submission).

Conditions:
Hereditary cancer-predisposing syndrome. Also called: Tumor predisposition; Neoplastic Syndromes, Hereditary; Hereditary neoplastic syndrome; Hereditary Cancer Syndrome. Identifiers: Orphanet 140162, MedGen C0027672, MeSH D009386, MONDO:0015356.

Submission:

Color Diagnostics, LLC DBA Color Health
Classification: Uncertain significance for Hereditary cancer-predisposing syndrome. Last evaluated: 2023-12-05. Review status: criteria provided, single submitter. Criteria: ACMG Guidelines, 2015. Collection method: clinical testing. Allele origin: germline.
Comment: This missense variant replaces threonine with arginine at codon 306 of the ATM protein. Computational prediction suggests that this variant may not impact protein structure and function (internally defined REVEL score threshold <= 0.5, PMID: 27666373). To our knowledge, functional studies have not been reported for this variant. This variant has not been reported in individuals affected with ATM-related disorders in the literature. This variant has not been identified in the general population by the Genome Aggregation Database (gnomAD). The available evidence is insufficient to determine the role of this variant in disease conclusively. Therefore, this variant is classified as a Variant of Uncertain Significance.

NM_000051.4(ATM):c.917C>G (p.Thr306Arg)

Gene: ATM (ATM serine/threonine kinase; plus strand). Cytogenetic location: 11q22.3.
Variant type: single nucleotide variant.
Coding change: c.917C>G on transcript NM_000051.4 (MANE Select); coding-DNA position 917, C replaced by G.
Protein change: p.Thr306Arg; replaces threonine 306 with arginine.
Molecular consequence: missense variant.
Genome position (GRCh38, 1-based): chr11:108,246,979, C>G. VCF-style: chr11-108246979-C-G. GRCh37 (hg19) VCF-style: chr11-108117706-C-G.
Other names: c.917C>G, p.Thr306Arg (NM_001351834.2); short protein forms T306R.
Identifiers: ClinVar variation 630426 (VCV000630426.5), dbSNP rs1565374923, ClinGen allele CA382530547.
Genomic context (GRCh38, chr11:108,246,979, plus strand): 5'-CAGAGTACATACATAAAAATTACATTTTAATTTTTTGGATTACAGGTGCTTATGAATCAA[C>G]AAAATGGAGAAGTATTTTATACAACTTATATGATCTGCTAGTGAATGAGATAAGTCATAT-3'
Protein context (NP_000042.3, residues 296-316): KTQEKGAYES[Thr306Arg]KWRSILYNLY